The following is an entry in ClinVar:

ClinVar aggregate classification (germline): Pathogenic (1 of 4 stars; one submission).

Conditions:
Peroxisome biogenesis disorder, complementation group 7 (CG7). Also called: Peroxisome biogenesis disorder, complementation group B. Identifiers: MedGen C1864399.

Submission:

Labcorp Genetics (formerly Invitae), Labcorp
Classification: Pathogenic for Peroxisome biogenesis disorder, complementation group 7. Last evaluated: 2023-07-15. Review status: criteria provided, single submitter. Criteria: Invitae Variant Classification Sherloc (09022015). Collection method: clinical testing. Allele origin: unknown.
Comment: This variant is a gross deletion of the genomic region encompassing exon(s) 1 of the PEX10 gene, which includes the initiator codon. This deletion extends beyond the assayed region for this gene and therefore may encompass additional genes. It is expected to result in an absent or disrupted protein product. Loss-of-function variants in PEX10 are known to be pathogenic (PMID: 9683594, 10862081, 21031596). This variant has not been reported in the literature in individuals affected with PEX10-related conditions. For these reasons, this variant has been classified as Pathogenic.

Literature cited by the submitters: PubMed 9683594; PubMed 10862081; PubMed 21031596.

NC_000001.10:g.(?_2343810)_(2343941_?)del

Gene: PEX10 (peroxisomal biogenesis factor 10; minus strand). Cytogenetic location: 1p36.32.
Variant type: Deletion.
Identifiers: ClinVar variation 3247774 (VCV003247774.1).